The following is an entry in ClinVar:

NM_024809.5(TCTN2):c.1432A>G (p.Ile478Val)

Gene: TCTN2 (tectonic family member 2; plus strand). Cytogenetic location: 12q24.31.
Variant type: single nucleotide variant.
Coding change: c.1432A>G on transcript NM_024809.5 (MANE Select); coding-DNA position 1432, A replaced by G.
Protein change: p.Ile478Val; replaces isoleucine 478 with valine.
Molecular consequence: missense variant.
Genome position (GRCh38, 1-based): chr12:123,697,125, A>G. VCF-style: chr12-123697125-A-G. GRCh37 (hg19) VCF-style: chr12-124181672-A-G.
Other names: c.1429A>G, p.Ile477Val (NM_001143850.3); c.1297A>G, p.Ile433Val (NM_001410989.1); short protein forms I477V, I433V, I478V.
Identifiers: ClinVar variation 1899730 (VCV001899730.5), dbSNP rs1272623385, ClinGen allele CA387144853.

ClinVar aggregate classification (germline): Uncertain significance (1 of 4 stars; one submission).

Conditions:
Meckel-Gruber syndrome. Also called: DYSENCEPHALIA SPLANCHNOCYSTICA; GRUBER SYNDROME; Dysencephalia splachnocystica. Identifiers: Orphanet 564, MedGen C0265215, MONDO:0018921.
Joubert syndrome. Also called: CEREBELLOPARENCHYMAL DISORDER IV; JOUBERT-BOLTSHAUSER SYNDROME; Familial aplasia of the vermis. Identifiers: Orphanet 475, MedGen C5979921, MONDO:0018772.

Allele frequency attached by ClinVar (database versions not stated): gnomAD exomes below 0.00001.
gnomAD v4.1: 1 of 1,614,074 alleles (0.000062%); highest among the groups gnomAD compares: Admixed American, 0.0017%; no homozygotes.

Submission:

Labcorp Genetics (formerly Invitae), Labcorp
Classification: Uncertain significance for Joubert syndrome; Meckel-Gruber syndrome. Last evaluated: 2022-08-06. Review status: criteria provided, single submitter. Criteria: Invitae Variant Classification Sherloc (09022015). Collection method: clinical testing. Allele origin: germline.
Comment: This sequence change replaces isoleucine, which is neutral and non-polar, with valine, which is neutral and non-polar, at codon 478 of the TCTN2 protein (p.Ile478Val). This variant is present in population databases (no rsID available, gnomAD 0.003%). This variant has not been reported in the literature in individuals affected with TCTN2-related conditions. Algorithms developed to predict the effect of missense changes on protein structure and function output the following: SIFT: "Tolerated"; PolyPhen-2: "Benign"; Align-GVGD: "Class C0". The valine amino acid residue is found in multiple mammalian species, which suggests that this missense change does not adversely affect protein function. In summary, the available evidence is currently insufficient to determine the role of this variant in disease. Therefore, it has been classified as a Variant of Uncertain Significance.